The following is an entry in ClinVar:

ClinVar aggregate classification (germline): Conflicting classifications of pathogenicity. Review status: criteria provided, conflicting classifications (1 of 4 stars). 2 submissions from 2 submitters: Uncertain significance (1); Likely benign (1). Last evaluated 2025-07-29.

Conditions:
COG5-congenital disorder of glycosylation. Also called: CDG IIi; CONGENITAL DISORDER OF GLYCOSYLATION, TYPE IIi; COG5-CDG. Identifiers: Orphanet 263487, MedGen C3150876, MONDO:0013325, OMIM 613612.

Allele frequency attached by ClinVar (database versions not stated): gnomAD exomes below 0.00001 and 0.00001; ExAC 0.00002; TOPMed 0.00002; gnomAD 0.00003.
gnomAD v4.1: 16 of 1,571,694 alleles (0.001%); highest among the groups gnomAD compares: Non-Finnish European, 0.0013%; no homozygotes.

Submissions (2):

Labcorp Genetics (formerly Invitae), Labcorp
Classification: Likely benign for COG5-congenital disorder of glycosylation. Last evaluated: 2025-07-29. Review status: criteria provided, single submitter. Criteria: Invitae Variant Classification Sherloc (09022015). Collection method: clinical testing. Allele origin: germline.

Centre for Mendelian Genomics, University Medical Centre Ljubljana
Classification: Uncertain significance for COG5-congenital disorder of glycosylation. Last evaluated: 2018-11-16. Review status: criteria provided, single submitter. Criteria: ACMG Guidelines, 2015. Collection method: clinical testing. Allele origin: unknown. Affected: yes.
Comment: This variant was classified as: Uncertain significance. The available evidence on this variant's pathogenicity is insufficient or conflicting. The following ACMG criteria were applied in classifying this variant: PM2,BP4.

NM_006348.5(COG5):c.1853+8C>A

Gene: COG5 (component of oligomeric golgi complex 5; minus strand). Cytogenetic location: 7q22.3.
Variant type: single nucleotide variant.
Coding change: c.1853+8C>A on transcript NM_006348.5 (MANE Select); 8 bases into the intron after coding-DNA position 1853, C replaced by A.
Molecular consequence: intron variant.
Genome position (GRCh38, 1-based): chr7:107,248,388, G>T on the plus strand (C>A on the coding strand, the complement: COG5 is on the minus strand). VCF-style: chr7-107248388-G-T. GRCh37 (hg19) VCF-style: chr7-106888833-G-T.
Other names: c.1139+8C>A (NM_001379516.1); c.1283+8C>A (NM_001379515.1); c.1691+8C>A (NM_001379511.1); c.1679+8C>A (NM_001379512.1); c.1790+8C>A (NM_181733.4); c.1853+8C>A (NM_001379514.1, NM_001379513.1, NM_001161520.2).
Identifiers: ClinVar variation 930220 (VCV000930220.4), dbSNP rs774900756, ClinGen allele CA4430767.
Genomic context (GRCh38, chr7:107,248,388, plus strand): 5'-AAGCATAGAGGTGGGAATACAAAATAAAGGCAGTAAAAGTTAGTAAAAATTTGGTTAGAA[G>T]TAATTACCCAGAAAAGTCTTCTTGATGCATGGTGATGATTATGGCCTCTATAGCATCTCC-3'